The following is an entry in ClinVar:

NM_001009944.3(PKD1):c.8308_8310del (p.Asn2770del)

Gene: PKD1 (polycystin 1, transient receptor potential channel interacting; minus strand). Cytogenetic location: 16p13.3.
Variant type: Deletion.
Coding change: c.8308_8310del on transcript NM_001009944.3 (MANE Select); coding-DNA positions 8308 to 8310, 3 bases deleted (AAC; older notation c.8308_8310delAAC).
Protein change: p.Asn2770del; deletes asparagine 2770.
Molecular consequence: inframe deletion.
Genome position (GRCh38, 1-based): chr16:2,103,747-2,103,749, GTT deleted on the plus strand (AAC on the coding strand, the reverse complement: PKD1 is on the minus strand); deleting any 3 consecutive bases within chr16:2,103,747-2,103,750 gives the same sequence; the c. name uses the placement nearest the transcript's 3' end. VCF-style (leftmost placement, unchanged base first): chr16-2103746-CGTT-C. GRCh37 (hg19) VCF-style: chr16-2153747-CGTT-C.
Other names: c.8308_8310del (NM_001009944.2); c.8308_8310del, p.Asn2770del (NM_000296.4); short protein forms N2770del.
Identifiers: ClinVar variation 997339 (VCV000997339.3), dbSNP rs2092203060, ClinGen allele CA2202022869.

ClinVar aggregate classification (germline): Likely pathogenic. Review status: criteria provided, single submitter (1 of 4 stars). 2 submissions from 2 submitters: Likely pathogenic (1). 1 of the submissions does not count toward it. Last evaluated 2025-12-06.

Conditions:
Polycystic kidney disease. Also called: Polycystic kidney dysplasia; Kidney, Polycystic. Identifiers: MedGen C0022680, MeSH D007690, MONDO:0020642, HP:0000113.

Submissions (2):

GeneDx
Classification: Likely pathogenic. Last evaluated: 2025-12-06. Review status: criteria provided, single submitter. Criteria: GeneDx Variant Classification Process June 2021. Collection method: clinical testing. Allele origin: germline.
Comment: In-frame deletion of 1 amino acids in a non-repeat region; Not observed at significant frequency in large population cohorts (gnomAD); In silico analysis supports a deleterious effect on protein structure/function; This variant is associated with the following publications: (PMID: 31740684)

Department of Pathology and Laboratory Medicine, Sinai Health System
Classification: Uncertain significance for Polycystic Kidney disease. Review status: no assertion criteria provided. Collection method: clinical testing. Allele origin: unknown. Affected: yes. Study: The Canadian Open Genetics Repository (COGR). Not counted in ClinVar's aggregate classification.
Comment: The PKD1 p.Asn2770del variant was not identified in the literature nor was it identified in the dbSNP, ClinVar, LOVD 3.0, ADPKD Mutation Database or PKD1-LOVD databases. The variant was not identified in the following control databases: the Exome Aggregation Consortium (August 8th 2016) or the Genome Aggregation Database (Feb 27, 2017). This variant is an in-frame deletion resulting in the removal of an Asparagine (Asn) residue at codon 2770; the impact of this alteration on PKD1 protein function is not known. The variant occurs outside of the splicing consensus sequence and 1 of 4 in silico or computational prediction software programs (SpliceSiteFinder, MaxEntScan, NNSPLICE, GeneSplicer) predicts a greater than 10% difference in splicing. In summary, based on the above information, the clinical significance of this variant cannot be determined with certainty at this time. This variant is classified as a variant of uncertain significance.